The following is an entry in ClinVar:

NM_003072.5(SMARCA4):c.139C>G (p.Pro47Ala)

Gene: SMARCA4 (SWI/SNF related BAF chromatin remodeling complex subunit ATPase 4; plus strand). Cytogenetic location: 19p13.2.
Variant type: single nucleotide variant.
Coding change: c.139C>G on transcript NM_003072.5 (MANE Select); coding-DNA position 139, C replaced by G.
Protein change: p.Pro47Ala; replaces proline 47 with alanine.
Molecular consequence: missense variant. On other transcripts: non-coding transcript variant (1).
Genome position (GRCh38, 1-based): chr19:10,984,290, C>G. VCF-style: chr19-10984290-C-G. GRCh37 (hg19) VCF-style: chr19-11094966-C-G.
Other names: c.139C>G, p.Pro47Ala (NM_001128844.3, NM_001128845.2, NM_001128846.2 and 6 more transcripts); short protein forms P47A.
Identifiers: ClinVar variation 4802534 (VCV004802534.1).

ClinVar aggregate classification (germline): Uncertain significance (1 of 4 stars; one submission).

Conditions:
Rhabdoid tumor predisposition syndrome 2 (RTPS2). Identifiers: Orphanet 231108, Orphanet 69077, MedGen C2750074, MONDO:0013224, OMIM 613325.

Submission:

Labcorp Genetics (formerly Invitae), Labcorp
Classification: Uncertain significance for Rhabdoid tumor predisposition syndrome 2. Last evaluated: 2026-01-26. Review status: criteria provided, single submitter. Criteria: Invitae Variant Classification Sherloc (09022015). Collection method: clinical testing. Allele origin: germline.
Comment: This sequence change replaces proline, which is neutral and non-polar, with alanine, which is neutral and non-polar, at codon 47 of the SMARCA4 protein (p.Pro47Ala). This variant is not present in population databases (gnomAD no frequency). This variant has not been reported in the literature in individuals affected with SMARCA4-related conditions. Invitae Evidence Modeling of protein sequence and biophysical properties (such as structural, functional, and spatial information, amino acid conservation, physicochemical variation, residue mobility, and thermodynamic stability) has been performed for this missense variant. However, the output from this modeling did not meet the statistical confidence thresholds required to predict the impact of this variant on SMARCA4 protein function. In summary, the available evidence is currently insufficient to determine the role of this variant in disease. Therefore, it has been classified as a Variant of Uncertain Significance.